The following is an entry in ClinVar:

ClinVar aggregate classification (germline): Uncertain significance. Review status: criteria provided, multiple submitters, no conflicts (2 of 4 stars). 3 submissions from 3 submitters: Uncertain significance (3). Last evaluated 2023-07-27.

Conditions:
Dilated cardiomyopathy 1DD (CMD1DD). Identifiers: Orphanet 154, MedGen C2750995, MONDO:0013168, OMIM 613172.
Cardiovascular phenotype. Identifiers: MedGen CN230736.

Allele frequency attached by ClinVar (database versions not stated): gnomAD 0.00001; TOPMed 0.00002.
gnomAD v4.1: 4 of 1,551,684 alleles (0.00026%); highest among the groups gnomAD compares: African/African-American, 0.0027%; no homozygotes.

Submissions (3):

Ambry Genetics
Classification: Uncertain significance for Cardiovascular phenotype. Last evaluated: 2023-07-27. Review status: criteria provided, single submitter. Criteria: Ambry Variant Classification Scheme 2023. Collection method: clinical testing. Allele origin: germline.
Comment: The p.P174R variant (also known as c.521C>G), located in coding exon 2 of the RBM20 gene, results from a C to G substitution at nucleotide position 521. The proline at codon 174 is replaced by arginine, an amino acid with dissimilar properties. This amino acid position is not well conserved in available vertebrate species. In addition, this alteration is predicted to be tolerated by in silico analysis. Since supporting evidence is limited at this time, the clinical significance of this alteration remains unclear.

GeneDx
Classification: Uncertain significance. Last evaluated: 2023-01-09. Review status: criteria provided, single submitter. Criteria: GeneDx Variant Classification Process June 2021. Collection method: clinical testing. Allele origin: germline. Affected: yes.
Comment: Has not been previously published as pathogenic or benign to our knowledge; Not observed at significant frequency in large population cohorts (gnomAD); In silico analysis supports that this missense variant does not alter protein structure/function

Labcorp Genetics (formerly Invitae), Labcorp
Classification: Uncertain significance for Dilated cardiomyopathy 1DD. Last evaluated: 2022-04-16. Review status: criteria provided, single submitter. Criteria: Invitae Variant Classification Sherloc (09022015). Collection method: clinical testing. Allele origin: germline.
Comment: This variant has not been reported in the literature in individuals affected with RBM20-related conditions. In summary, the available evidence is currently insufficient to determine the role of this variant in disease. Therefore, it has been classified as a Variant of Uncertain Significance. Advanced modeling of protein sequence and biophysical properties (such as structural, functional, and spatial information, amino acid conservation, physicochemical variation, residue mobility, and thermodynamic stability) performed at Invitae indicates that this missense variant is not expected to disrupt RBM20 protein function. This variant is not present in population databases (gnomAD no frequency). This sequence change replaces proline, which is neutral and non-polar, with arginine, which is basic and polar, at codon 174 of the RBM20 protein (p.Pro174Arg).

NM_001134363.3(RBM20):c.521C>G (p.Pro174Arg)

Gene: RBM20 (RNA binding motif protein 20; plus strand). Cytogenetic location: 10q25.2.
Variant type: single nucleotide variant.
Coding change: c.521C>G on transcript NM_001134363.3 (MANE Select); coding-DNA position 521, C replaced by G.
Protein change: p.Pro174Arg; replaces proline 174 with arginine.
Molecular consequence: missense variant.
Genome position (GRCh38, 1-based): chr10:110,781,130, C>G. VCF-style: chr10-110781130-C-G. GRCh37 (hg19) VCF-style: chr10-112540888-C-G.
Other names: short protein forms P174R.
Identifiers: ClinVar variation 1746149 (VCV001746149.9), dbSNP rs971703468, ClinGen allele CA213234681.